The following is an entry in ClinVar:

ClinVar aggregate classification (germline): Uncertain significance (1 of 4 stars; one submission).

Submission:

Labcorp Genetics (formerly Invitae), Labcorp
Classification: Uncertain significance. Last evaluated: 2023-07-07. Review status: criteria provided, single submitter. Criteria: Invitae Variant Classification Sherloc (09022015). Collection method: clinical testing. Allele origin: germline.
Comment: This sequence change replaces leucine, which is neutral and non-polar, with valine, which is neutral and non-polar, at codon 1202 of the NLRP1 protein (p.Leu1202Val). This variant is not present in population databases (gnomAD no frequency). This variant has not been reported in the literature in individuals affected with NLRP1-related conditions. ClinVar contains an entry for this variant (Variation ID: 2073482). An algorithm developed to predict the effect of missense changes on protein structure and function (PolyPhen-2) suggests that this variant is likely to be tolerated. In summary, the available evidence is currently insufficient to determine the role of this variant in disease. Therefore, it has been classified as a Variant of Uncertain Significance.

NM_033004.4(NLRP1):c.3604C>G (p.Leu1202Val)

Gene: NLRP1 (NLR family pyrin domain containing 1; minus strand). Cytogenetic location: 17p13.2.
Variant type: single nucleotide variant.
Coding change: c.3604C>G on transcript NM_033004.4 (MANE Select); coding-DNA position 3604, C replaced by G.
Protein change: p.Leu1202Val; replaces leucine 1202 with valine.
Molecular consequence: missense variant.
Genome position (GRCh38, 1-based): chr17:5,521,703, G>C on the plus strand (C>G on the coding strand, the complement: NLRP1 is on the minus strand). VCF-style: chr17-5521703-G-C. GRCh37 (hg19) VCF-style: chr17-5425023-G-C.
Other names: c.3616C>G, p.Leu1206Val (NM_001033053.3); c.3604C>G, p.Leu1202Val (NM_014922.5); c.3514C>G, p.Leu1172Val (NM_033006.4, NM_033007.4); short protein forms L1206V, L1172V, L1202V.
Identifiers: ClinVar variation 2073482 (VCV002073482.4), dbSNP rs2507732905, ClinGen allele CA397389324.